The following is an entry in ClinVar:

ClinVar aggregate classification (germline): Uncertain significance (1 of 4 stars; one submission).

Submission:

Labcorp Genetics (formerly Invitae), Labcorp
Classification: Uncertain significance. Last evaluated: 2022-05-22. Review status: criteria provided, single submitter. Criteria: Invitae Variant Classification Sherloc (09022015). Collection method: clinical testing. Allele origin: germline.
Comment: In summary, the available evidence is currently insufficient to determine the role of this variant in disease. Therefore, it has been classified as a Variant of Uncertain Significance. This variant has not been reported in the literature in individuals affected with TRAPPC9-related conditions. This variant is a gross deletion of the genomic region encompassing exon(s) 10-16 of the TRAPPC9 gene. This variant would be expected to be in-frame, preserving the integrity of the reading frame.

NC_000008.10:g.(?_141262856)_(141321493_?)del

Gene: TRAPPC9 (trafficking protein particle complex subunit 9; minus strand). Cytogenetic location: 8q24.3.
Variant type: Deletion.
Identifiers: ClinVar variation 2426977 (VCV002426977.4).